The following is an entry in ClinVar:

NM_000271.5(NPC1):c.1326+1G>T

Gene: NPC1 (NPC intracellular cholesterol transporter 1; minus strand). Cytogenetic location: 18q11.2.
Variant type: single nucleotide variant.
Coding change: c.1326+1G>T on transcript NM_000271.5 (MANE Select); the canonical splice donor site of the intron after coding-DNA position 1326, G replaced by T.
Molecular consequence: splice donor variant.
Genome position (GRCh38, 1-based): chr18:23,556,242, C>A on the plus strand (G>T on the coding strand, the complement: NPC1 is on the minus strand). VCF-style: chr18-23556242-C-A. GRCh37 (hg19) VCF-style: chr18-21136206-C-A.
Identifiers: ClinVar variation 4081753 (VCV004081753.1).

ClinVar aggregate classification (germline): Likely pathogenic (1 of 4 stars; one submission).

Conditions:
Niemann-Pick disease, type C1. Also called: NEUROVISCERAL STORAGE DISEASE WITH VERTICAL SUPRANUCLEAR OPHTHALMOPLEGIA; NIEMANN-PICK DISEASE WITH CHOLESTEROL ESTERIFICATION BLOCK; NIEMANN-PICK DISEASE WITHOUT SPHINGOMYELINASE DEFICIENCY; NIEMANN-PICK DISEASE, CHRONIC NEURONOPATHIC FORM; NIEMANN-PICK DISEASE, VARIANT TYPE C1. Identifiers: Orphanet 646, MedGen C3179455, MONDO:0009757, OMIM 257220.

Submission:

Myriad Genetics, Inc.
Classification: Likely pathogenic for Niemann-Pick disease, type C1. Last evaluated: 2025-06-10. Review status: criteria provided, single submitter. Criteria: Myriad Autosomal Dominant, Autosomal Recessive and X-Linked Classification Criteria (2023). Collection method: clinical testing. Allele origin: unknown.
Comment: NM_000271.4(NPC1):c.1326+1G>T is a variant in a canonical splice site classified as likely pathogenic in the context of Niemann-Pick disease type C1. c.1326+1G>T has not been observed in cases with relevant disease. Relevant functional assessments of this variant are not available in the literature. c.1326+1G>T has not been observed in referenced population frequency databases. In summary, NM_000271.4(NPC1):c.1326+1G>T is a variant in a canonical splice site in a gene where loss of function is a known mechanism of disease and is predicted to disrupt protein function. Please note: this variant was assessed in the context of healthy population screening.